The following is an entry in ClinVar:

NM_138713.4(NFAT5):c.1765G>T (p.Ala589Ser)

Gene: NFAT5 (nuclear factor of activated T cells 5; plus strand). Cytogenetic location: 16q22.1.
Variant type: single nucleotide variant.
Coding change: c.1765G>T on transcript NM_138713.4 (MANE Select); coding-DNA position 1765, G replaced by T.
Protein change: p.Ala589Ser; replaces alanine 589 with serine.
Molecular consequence: missense variant.
Genome position (GRCh38, 1-based): chr16:69,684,961, G>T. VCF-style: chr16-69684961-G-T. GRCh37 (hg19) VCF-style: chr16-69718864-G-T.
Other names: c.1765G>T, p.Ala589Ser (LRG_1332t1); c.1762G>T, p.Ala588Ser (NM_001113178.3); c.1090G>T, p.Ala364Ser (NM_001367709.1); c.1711G>T, p.Ala571Ser (NM_006599.4); c.1483G>T, p.Ala495Ser (NM_138714.4, NM_173214.3, NM_173215.3); short protein forms A571S, A588S, A589S, A364S, A495S.
Identifiers: ClinVar variation 662812 (VCV000662812.1), dbSNP rs1597550230, ClinGen allele CA396502399.

ClinVar aggregate classification (germline): Uncertain significance (1 of 4 stars; one submission).

Conditions:
Immunodeficiency. Identifiers: MedGen C0021051, MONDO:0021094, HP:0002721.

Allele frequency attached by ClinVar (database versions not stated): gnomAD exomes below 0.00001.
gnomAD v4.1: 2 of 1,608,188 alleles (0.00012%); highest among the groups gnomAD compares: South Asian, 0.0011%; no homozygotes.

Submission:

Labcorp Genetics (formerly Invitae), Labcorp
Classification: Uncertain significance for Immunodeficiency. Last evaluated: 2018-07-24. Review status: criteria provided, single submitter. Criteria: Invitae Variant Classification Sherloc (09022015). Collection method: clinical testing. Allele origin: germline.
Comment: This sequence change replaces alanine with serine at codon 495 of the NFAT5 protein (p.Ala495Ser). The alanine residue is moderately conserved and there is a moderate physicochemical difference between alanine and serine. This variant is not present in population databases (ExAC no frequency). This variant has not been reported in the literature in individuals with NFAT5-related disease. Algorithms developed to predict the effect of missense changes on protein structure and function are either unavailable or do not agree on the potential impact of this missense change (SIFT: "Tolerated"; PolyPhen-2: "Probably Damaging"; Align-GVGD: "Class C0"). In summary, the available evidence is currently insufficient to determine the role of this variant in disease. Therefore, it has been classified as a Variant of Uncertain Significance.